The following is an entry in ClinVar:

ClinVar aggregate classification (germline): Uncertain significance (1 of 4 stars; one submission).

gnomAD v4.1: 2 of 1,211,784 alleles (0.00017%); highest among the groups gnomAD compares: Non-Finnish European, 0.00022%; no homozygotes.

Submission:

GeneDx
Classification: Uncertain significance. Last evaluated: 2023-11-08. Review status: criteria provided, single submitter. Criteria: GeneDx Variant Classification Process June 2021. Collection method: clinical testing. Allele origin: germline. Affected: yes.
Comment: Not observed at significant frequency in large population cohorts (gnomAD); In silico analysis supports that this missense variant does not alter protein structure/function; Has not been previously published as pathogenic or benign to our knowledge

NM_001008537.3(NEXMIF):c.3129A>G (p.Ile1043Met)

Gene: NEXMIF (neurite extension and migration factor; minus strand). Cytogenetic location: Xq13.3.
Variant type: single nucleotide variant.
Coding change: c.3129A>G on transcript NM_001008537.3 (MANE Select); coding-DNA position 3129, A replaced by G.
Protein change: p.Ile1043Met; replaces isoleucine 1043 with methionine.
Molecular consequence: missense variant.
Genome position (GRCh38, 1-based): chrX:74,741,428, T>C on the plus strand (A>G on the coding strand, the complement: NEXMIF is on the minus strand). VCF-style: chrX-74741428-T-C. GRCh37 (hg19) VCF-style: chrX-73961263-T-C.
Other names: short protein forms I1043M.
Identifiers: ClinVar variation 3363713 (VCV003363713.1).
Genomic context (GRCh38, chrX:74,741,428, plus strand): 5'-GAATTTGTCAGGGGTGAAGTTGGATATATCCAGGAGGTCAGTGGACTCCTTTAGTGGTGC[T>C]ATCTCATCAATGCTTTGCTGGATCACCAGCTTAGGGCTGCAATGGGCCAGGAAGTCATCA-3'
Protein context (NP_001008537.1, residues 1033-1053): KLVIQQSIDE[Ile1043Met]APLKESTDLL